The following is an entry in ClinVar:

NM_031924.8(RSPH3):c.-417A>T

Genes: RSPH3 (radial spoke head 3; minus strand), TAGAP-AS1 (TAGAP antisense RNA 1; plus strand). Cytogenetic location: 6q25.3.
Variant type: single nucleotide variant.
Coding change: c.-417A>T on transcript NM_031924.8 (MANE Select); 417 bases upstream of the start codon, A replaced by T.
Molecular consequence: 5 prime UTR variant. On other transcripts: nonsense (1), non-coding transcript variant (1).
Genome position (GRCh38, 1-based): chr6:158,999,967, T>A on the plus strand (A>T on the coding strand, the complement: RSPH3 is on the minus strand). VCF-style: chr6-158999967-T-A. GRCh37 (hg19) VCF-style: chr6-159420999-T-A.
Other names: c.10A>T, p.Lys4Ter (NM_001346418.1); short protein forms K4*.
Identifiers: ClinVar variation 1420769 (VCV001420769.6), dbSNP rs775284185, ClinGen allele CA366286110.
Genomic context (GRCh38, chr6:158,999,967, plus strand): 5'-CCAGGTAGGTGCGCCTGCGCTTTGCGAGGTTCCTGGCTAGGGAGGCGGCCTTGGCTGGCT[T>A]GACCGTCATCCTTGAGGCCTGCGGGGCAACGGTGGCTGTCCTTGGCCCGGCTTTGGAATG-3'

ClinVar aggregate classification (germline): Pathogenic (1 of 4 stars; one submission).

Conditions:
Primary ciliary dyskinesia 32. Also called: CILIARY DYSKINESIA, PRIMARY, 32, WITHOUT SITUS INVERSUS. Identifiers: Orphanet 244, MedGen C4225311, MONDO:0014657, OMIM 616481.

Submission:

Labcorp Genetics (formerly Invitae), Labcorp
Classification: Pathogenic for Primary ciliary dyskinesia 32. Last evaluated: 2021-11-27. Review status: criteria provided, single submitter. Criteria: Invitae Variant Classification Sherloc (09022015). Collection method: clinical testing. Allele origin: germline.
Comment: This sequence change creates a premature translational stop signal (p.Lys4*) in the RSPH3 gene. It is expected to result in an absent or disrupted protein product. Loss-of-function variants in RSPH3 are known to be pathogenic (PMID: 26073779). This variant is not present in population databases (gnomAD no frequency). This variant has not been reported in the literature in individuals affected with RSPH3-related conditions. For these reasons, this variant has been classified as Pathogenic.

Literature cited by the submitters: PubMed 26073779.